The following is an entry in ClinVar:

NM_030780.5(SLC25A32):c.666+6A>G

Gene: SLC25A32 (solute carrier family 25 member 32; minus strand). Cytogenetic location: 8q22.3.
Variant type: single nucleotide variant.
Coding change: c.666+6A>G on transcript NM_030780.5 (MANE Select); 6 bases into the intron after coding-DNA position 666, A replaced by G.
Molecular consequence: intron variant.
Genome position (GRCh38, 1-based): chr8:103,401,935, T>C on the plus strand (A>G on the coding strand, the complement: SLC25A32 is on the minus strand). VCF-style: chr8-103401935-T-C. GRCh37 (hg19) VCF-style: chr8-104414163-T-C.
Identifiers: ClinVar variation 1964241 (VCV001964241.5), dbSNP rs761382803, ClinGen allele CA4835415.
Genomic context (GRCh38, chr8:103,401,935, plus strand): 5'-CAAAAATTTCTACCTATTAAATACCCATAAAAGGAAATGATATCATTTTTACAAGAATAA[T>C]CTTACCAACTGGGCTTCTGGTAATCTATTGATATGCTGGTTGTACTTCAACTTCAGCAAT-3'

ClinVar aggregate classification (germline): Uncertain significance (1 of 4 stars; one submission).

gnomAD v4.1: 7 of 1,595,770 alleles (0.00044%); highest among the groups gnomAD compares: Non-Finnish European, 0.0006%; no homozygotes.

Submission:

Labcorp Genetics (formerly Invitae), Labcorp
Classification: Uncertain significance. Last evaluated: 2025-11-09. Review status: criteria provided, single submitter. Criteria: Invitae Variant Classification Sherloc (09022015). Collection method: clinical testing. Allele origin: germline.
Comment: This sequence change falls in intron 5 of the SLC25A32 gene. It does not directly change the encoded amino acid sequence of the SLC25A32 protein. It affects a nucleotide within the consensus splice site. This variant is present in population databases (rs761382803, gnomAD 0.0009%). This variant has not been reported in the literature in individuals affected with SLC25A32-related conditions. ClinVar contains an entry for this variant (Variation ID: 1964241). Variants that disrupt the consensus splice site are a relatively common cause of aberrant splicing (PMID: 17576681, 9536098). Algorithms developed to predict the effect of sequence changes on RNA splicing suggest that this variant is not likely to affect RNA splicing. In summary, the available evidence is currently insufficient to determine the role of this variant in disease. Therefore, it has been classified as a Variant of Uncertain Significance.

Literature cited by the submitters: PubMed 17576681; PubMed 9536098.